The following is an entry in ClinVar:

NM_000222.3(KIT):c.59T>G (p.Val20Gly)

Gene: KIT (KIT proto-oncogene, receptor tyrosine kinase; plus strand). Cytogenetic location: 4q12.
Variant type: single nucleotide variant.
Coding change: c.59T>G on transcript NM_000222.3 (MANE Select); coding-DNA position 59, T replaced by G.
Protein change: p.Val20Gly; replaces valine 20 with glycine.
Molecular consequence: missense variant.
Genome position (GRCh38, 1-based): chr4:54,658,073, T>G. VCF-style: chr4-54658073-T-G. GRCh37 (hg19) VCF-style: chr4-55524240-T-G.
Other names: c.59T>G, p.Val20Gly (NM_001093772.2, NM_001385284.1, NM_001385285.1 and 4 more transcripts); short protein forms V20G.
Identifiers: ClinVar variation 826110 (VCV000826110.10), dbSNP rs1393581394, ClinGen allele CA356898012.

ClinVar aggregate classification (germline): Uncertain significance. Review status: criteria provided, multiple submitters, no conflicts (2 of 4 stars). 3 submissions from 3 submitters: Uncertain significance (3). Last evaluated 2025-09-25.

Conditions:
Hereditary cancer-predisposing syndrome. Also called: Neoplastic Syndromes, Hereditary; Tumor predisposition; Hereditary Cancer Syndrome; Hereditary neoplastic syndrome. Identifiers: Orphanet 140162, MedGen C0027672, MeSH D009386, MONDO:0015356.
Gastrointestinal stromal tumor. Also called: Gastrointestinal stromal tumor, somatic; Gastrointestinal stroma tumor. Identifiers: Orphanet 44890, MedGen C0238198, MeSH D046152, MONDO:0011719, OMIM 606764, HP:0100723.

Allele frequency attached by ClinVar (database versions not stated): TOPMed below 0.00001; gnomAD 0.00001.
gnomAD v4.1: 1 of 1,613,676 alleles (0.000062%); highest among the groups gnomAD compares: African/African-American, 0.0013%; no homozygotes.

Submissions (3):

Ambry Genetics
Classification: Uncertain significance for Hereditary cancer-predisposing syndrome. Last evaluated: 2025-09-25. Review status: criteria provided, single submitter. Criteria: Ambry Variant Classification Scheme 2023. Collection method: clinical testing. Allele origin: germline.

Labcorp Genetics (formerly Invitae), Labcorp
Classification: Uncertain significance for Gastrointestinal stromal tumor. Last evaluated: 2025-07-14. Review status: criteria provided, single submitter. Criteria: Invitae Variant Classification Sherloc (09022015). Collection method: clinical testing. Allele origin: germline.
Comment: This sequence change replaces valine, which is neutral and non-polar, with glycine, which is neutral and non-polar, at codon 20 of the KIT protein (p.Val20Gly). This variant is not present in population databases (gnomAD no frequency). This variant has not been reported in the literature in individuals affected with KIT-related conditions. ClinVar contains an entry for this variant (Variation ID: 826110). An algorithm developed to predict the effect of missense changes on protein structure and function outputs the following: PolyPhen-2: "Benign". The glycine amino acid residue is found in multiple mammalian species, which suggests that this missense change does not adversely affect protein function. In summary, the available evidence is currently insufficient to determine the role of this variant in disease. Therefore, it has been classified as a Variant of Uncertain Significance.

GeneDx
Classification: Uncertain significance. Last evaluated: 2021-06-23. Review status: criteria provided, single submitter. Criteria: GeneDx Variant Classification Process June 2021. Collection method: clinical testing. Allele origin: germline. Affected: yes.
Comment: Has not been previously published as pathogenic or benign to our knowledge; Not observed at significant frequency in large population cohorts (Lek 2016); In silico analysis supports that this missense variant does not alter protein structure/function; This variant is associated with the following publications: (PMID: 27535533)